The following is an entry in ClinVar:

ClinVar aggregate classification (germline): Uncertain significance (1 of 4 stars; one submission).

Allele frequency attached by ClinVar (database versions not stated): gnomAD exomes below 0.00001.
gnomAD v4.1: 1 of 1,613,634 alleles (0.000062%); highest among the groups gnomAD compares: Non-Finnish European, 0.000085%; no homozygotes.

Submission:

Labcorp Genetics (formerly Invitae), Labcorp
Classification: Uncertain significance. Last evaluated: 2022-10-05. Review status: criteria provided, single submitter. Criteria: Invitae Variant Classification Sherloc (09022015). Collection method: clinical testing. Allele origin: germline.
Comment: In summary, the available evidence is currently insufficient to determine the role of this variant in disease. Therefore, it has been classified as a Variant of Uncertain Significance. Advanced modeling of protein sequence and biophysical properties (such as structural, functional, and spatial information, amino acid conservation, physicochemical variation, residue mobility, and thermodynamic stability) performed at Invitae indicates that this missense variant is not expected to disrupt TTLL5 protein function. ClinVar contains an entry for this variant (Variation ID: 1361385). This variant has not been reported in the literature in individuals affected with TTLL5-related conditions. This variant is present in population databases (no rsID available, gnomAD no frequency). This sequence change replaces glutamine, which is neutral and polar, with arginine, which is basic and polar, at codon 1044 of the TTLL5 protein (p.Gln1044Arg).

NM_015072.5(TTLL5):c.3131A>G (p.Gln1044Arg)

Gene: TTLL5 (tubulin tyrosine ligase like 5; plus strand). Cytogenetic location: 14q24.3.
Variant type: single nucleotide variant.
Coding change: c.3131A>G on transcript NM_015072.5 (MANE Select); coding-DNA position 3131, A replaced by G.
Protein change: p.Gln1044Arg; replaces glutamine 1044 with arginine.
Molecular consequence: missense variant.
Genome position (GRCh38, 1-based): chr14:75,793,060, A>G. VCF-style: chr14-75793060-A-G. GRCh37 (hg19) VCF-style: chr14-76259403-A-G.
Other names: short protein forms Q1044R.
Identifiers: ClinVar variation 1361385 (VCV001361385.8), dbSNP rs1003579033, ClinGen allele CA263711029.
Genomic context (GRCh38, chr14:75,793,060, plus strand): 5'-ACAACCAAAGTATGGTTACAGCTGAACTTCAGCGGCTAGCTGAGAAGCAGGCAGCGAGAC[A>G]GTATTCTCCATCCAGCCACATCAACCTCCTCACCCAACAGGTACGGATGGTCTGGGGTGT-3'
Protein context (NP_055887.3, residues 1034-1054): QRLAEKQAAR[Gln1044Arg]YSPSSHINLL